The following is an entry in ClinVar:

ClinVar aggregate classification (germline): Likely benign (1 of 4 stars; one submission).

Allele frequency attached by ClinVar (database versions not stated): ESP Exome Variant Server 0.00185; gnomAD 0.00227; TOPMed 0.00246; ExAC 0.00084; 1000 Genomes Project 30x 0.00344; 1000 Genomes Project 0.00379.
gnomAD v4.1: 804 of 1,614,122 alleles (0.05%); highest among the groups gnomAD compares: African/African-American, 0.8%; 2 homozygotes.

Submission:

CeGaT Center for Human Genetics Tuebingen
Classification: Likely benign. Last evaluated: 2026-04-01. Review status: criteria provided, single submitter. Criteria: CeGaT Center For Human Genetics Tuebingen Variant Classification Criteria Version 2. Collection method: clinical testing. Allele origin: germline. Affected: yes. Observed: 2 variant alleles.
Comment: CPSF3: BP4, BP7

NM_016207.4(CPSF3):c.1539G>A (p.Gln513=)

Gene: CPSF3 (cleavage and polyadenylation specific factor 3; plus strand). Cytogenetic location: 2p25.1.
Variant type: single nucleotide variant.
Coding change: c.1539G>A on transcript NM_016207.4 (MANE Select); coding-DNA position 1539, G replaced by A.
Protein change: p.Gln513=; no amino-acid change (glutamine 513 retained).
Molecular consequence: synonymous variant.
Genome position (GRCh38, 1-based): chr2:9,455,693, G>A. VCF-style: chr2-9455693-G-A. GRCh37 (hg19) VCF-style: chr2-9595822-G-A.
Other names: c.1428G>A, p.Gln476= (NM_001321833.2, NM_001321834.2); c.1122G>A, p.Gln374= (NM_001321835.2); c.1551G>A, p.Gln517= (NM_001321836.2).
Identifiers: ClinVar variation 2650664 (VCV002650664.24), dbSNP rs149304917, ClinGen allele CA1522710.